The following is an entry in ClinVar:

ClinVar aggregate classification (germline): Likely pathogenic (1 of 4 stars; one submission).

Conditions:
Usher syndrome type 2A. Also called: RETINAL DISEASE IN USHER SYNDROME TYPE IIA, MODIFIER OF; USHER SYNDROME, TYPE IIA. Identifiers: Orphanet 231178, Orphanet 886, MedGen C1848634, MONDO:0010169, OMIM 276901.

Submission:

Natera, Inc.
Classification: Likely pathogenic for Usher syndrome type 2A. Last evaluated: 2024-08-06. Review status: criteria provided, single submitter. Criteria: Natera Variant Classification Schema (03/2026). Collection method: clinical testing. Allele origin: germline.
Comment: The c.15071del variant in USH2A is a frameshift variant predicted to shift the reading frame beginning at codon 5024 and leads to a stop codon 21 codons downstream. This variant is expected to result in nonsense mediated decay, truncation, or a dysfunctional protein product. This variant is rare in the general population with a frequency below the threshold expected for the associated phenotype(s). Given the available evidence, this variant is classified as Likely Pathogenic.

NM_206933.4(USH2A):c.15071del (p.Pro5024fs)

Gene: USH2A (usherin; minus strand). Cytogenetic location: 1q41.
Variant type: Deletion.
Coding change: c.15071del on transcript NM_206933.4 (MANE Select); coding-DNA position 15071, one base deleted (C; older notation c.15071delC).
Protein change: p.Pro5024fs; shifts the reading frame from proline 5024.
Molecular consequence: frameshift variant.
Genome position (GRCh38, 1-based): chr1:215,634,685, G deleted on the plus strand (C on the coding strand, the reverse complement: USH2A is on the minus strand); the first of 2 consecutive G bases (chr1:215,634,685-215,634,686); deleting either gives the same sequence. VCF-style (leftmost placement, unchanged base first): chr1-215634684-AG-A. GRCh37 (hg19) VCF-style: chr1-215808026-AG-A.
Other names: short protein forms P5024fs.
Identifiers: ClinVar variation 4817104 (VCV004817104.1).
Genomic context (GRCh38, chr1:215,634,684, plus strand): 5'-TATGAACCACAGCTCGCTGTAGAACTCTGTGCTTTTGCTCCGCGATCCCTTCTTTTTCCC[AG>A]GAGTTGTTAGGACCAAGCCTGCAAAACCCAGAGAAAGAAAGGGGAAATGTTATTTCAGAA-3'